The following is an entry in ClinVar:

ClinVar aggregate classification (germline): Uncertain significance (1 of 4 stars; one submission).

Submission:

Labcorp Genetics (formerly Invitae), Labcorp
Classification: Uncertain significance. Last evaluated: 2022-10-01. Review status: criteria provided, single submitter. Criteria: Invitae Variant Classification Sherloc (09022015). Collection method: clinical testing. Allele origin: germline.
Comment: In summary, the available evidence is currently insufficient to determine the role of this variant in disease. Therefore, it has been classified as a Variant of Uncertain Significance. This variant disrupts a region of the LRP6 protein in which other variant(s) (p.Pro1543Ser) have been observed in individuals with LRP6-related conditions (Invitae). This suggests that this is a clinically significant region of the protein, and that variants that disrupt it are likely to be disease-causing. This variant has not been reported in the literature in individuals affected with LRP6-related conditions. This variant is not present in population databases (gnomAD no frequency). This sequence change creates a premature translational stop signal (p.Pro1487Leufs*61) in the LRP6 gene. While this is not anticipated to result in nonsense mediated decay, it is expected to disrupt the last 127 amino acid(s) of the LRP6 protein.

NM_002336.3(LRP6):c.4460del (p.Pro1487fs)

Gene: LRP6 (LDL receptor related protein 6; minus strand). Cytogenetic location: 12p13.2.
Variant type: Deletion.
Coding change: c.4460del on transcript NM_002336.3 (MANE Select); coding-DNA position 4460, one base deleted (C; older notation c.4460delC).
Protein change: p.Pro1487fs; shifts the reading frame from proline 1487.
Molecular consequence: frameshift variant.
Genome position (GRCh38, 1-based): chr12:12,124,652, G deleted on the plus strand (C on the coding strand, the reverse complement: LRP6 is on the minus strand); the first of 3 consecutive G bases (chr12:12,124,652-12,124,654); deleting any one gives the same sequence. VCF-style (leftmost placement, unchanged base first): chr12-12124651-AG-A. GRCh37 (hg19) VCF-style: chr12-12277585-AG-A.
Other names: c.4551delC, p.Pro1518Leufs (NM_001414244.1); c.4458delC, p.Pro1487Leufs (NM_001414245.1, NM_001414248.1, NM_001414249.1 and 1 more transcripts); c.4323delC, p.Pro1442Leufs (NM_001414246.1); c.4260delC, p.Pro1421Leufs (NM_001414247.1); c.4095delC, p.Pro1366Leufs (NM_001414251.1); c.4005delC, p.Pro1336Leufs (NM_001414252.1, NM_001414253.1, NM_001414254.1); c.3951delC, p.Pro1318Leufs (NM_001414255.1); short protein forms P1487fs.
Identifiers: ClinVar variation 2023720 (VCV002023720.4), dbSNP rs2498578688, ClinGen allele CA2580085160.